The following is an entry in ClinVar:

NM_000553.6(WRN):c.1360C>A (p.Pro454Thr)

Gene: WRN (WRN RecQ like helicase; plus strand). Cytogenetic location: 8p12.
Variant type: single nucleotide variant.
Coding change: c.1360C>A on transcript NM_000553.6 (MANE Select); coding-DNA position 1360, C replaced by A.
Protein change: p.Pro454Thr; replaces proline 454 with threonine.
Molecular consequence: missense variant.
Genome position (GRCh38, 1-based): chr8:31,085,175, C>A. VCF-style: chr8-31085175-C-A. GRCh37 (hg19) VCF-style: chr8-30942691-C-A.
Other names: short protein forms P454T.
Identifiers: ClinVar variation 1996152 (VCV001996152.4), dbSNP rs1813480707, ClinGen allele CA370923671.

ClinVar aggregate classification (germline): Uncertain significance (1 of 4 stars; one submission).

Conditions:
Werner syndrome (WRN). Identifiers: Orphanet 902, MedGen C0043119, MONDO:0010196, OMIM 277700.

Submission:

Labcorp Genetics (formerly Invitae), Labcorp
Classification: Uncertain significance for Werner syndrome. Last evaluated: 2022-05-18. Review status: criteria provided, single submitter. Criteria: Invitae Variant Classification Sherloc (09022015). Collection method: clinical testing. Allele origin: germline.
Comment: This variant has not been reported in the literature in individuals affected with WRN-related conditions. This variant is not present in population databases (gnomAD no frequency). This sequence change replaces proline, which is neutral and non-polar, with threonine, which is neutral and polar, at codon 454 of the WRN protein (p.Pro454Thr). Algorithms developed to predict the effect of missense changes on protein structure and function are either unavailable or do not agree on the potential impact of this missense change (SIFT: "Not Available"; PolyPhen-2: "Benign"; Align-GVGD: "Not Available"). In summary, the available evidence is currently insufficient to determine the role of this variant in disease. Therefore, it has been classified as a Variant of Uncertain Significance.